The following is an entry in ClinVar:

NM_006940.6(SOX5):c.1160G>A (p.Ser387Asn)

Gene: SOX5 (SRY-box transcription factor 5; minus strand). Cytogenetic location: 12p12.1.
Variant type: single nucleotide variant.
Coding change: c.1160G>A on transcript NM_006940.6 (MANE Select); coding-DNA position 1160, G replaced by A.
Protein change: p.Ser387Asn; replaces serine 387 with asparagine.
Molecular consequence: missense variant.
Genome position (GRCh38, 1-based): chr12:23,604,391, C>T on the plus strand (G>A on the coding strand, the complement: SOX5 is on the minus strand). VCF-style: chr12-23604391-C-T. GRCh37 (hg19) VCF-style: chr12-23757325-C-T.
Other names: c.1121G>A, p.Ser374Asn (NM_001261414.3, NM_152989.5); c.1130G>A, p.Ser377Asn (NM_001261415.3); c.1055G>A, p.Ser352Asn (NM_001330785.2); short protein forms S352N, S374N, S377N, S387N.
Identifiers: ClinVar variation 4056815 (VCV004056815.1).

ClinVar aggregate classification (germline): Uncertain significance (1 of 4 stars; one submission).

Conditions:
Lamb-Shaffer syndrome. Identifiers: Orphanet 313884, Orphanet 313892, Orphanet 530983, MedGen C4225202, MONDO:0014778, OMIM 616803.

gnomAD v4.1: 1 of 1,613,484 alleles (0.000062%); highest among the groups gnomAD compares: Non-Finnish European, 0.000085%; no homozygotes.

Submission:

Chaochun Lab, Department of Endocrinology, Children's Hospital, Zhejiang University School Of Medicine
Classification: Uncertain significance for Lamb-Shaffer syndrome. Review status: criteria provided, single submitter. Criteria: ACMG Guidelines, 2015. Collection method: clinical testing. Allele origin: de novo. Affected: yes. Observed: 1 heterozygote.
Comment: This variant has not been reported in the literature and is absent from large-scale population frequency databases (gnomAD). Based on current evidence, it is classified as a variant of uncertain significance (VUS).